The following is an entry in ClinVar:

NM_007272.3(CTRC):c.368C>A (p.Ala123Asp)

Gene: CTRC (chymotrypsin C; plus strand). Cytogenetic location: 1p36.21.
Variant type: single nucleotide variant.
Coding change: c.368C>A on transcript NM_007272.3 (MANE Select); coding-DNA position 368, C replaced by A.
Protein change: p.Ala123Asp; replaces alanine 123 with aspartic acid.
Molecular consequence: missense variant.
Genome position (GRCh38, 1-based): chr1:15,443,430, C>A. VCF-style: chr1-15443430-C-A. GRCh37 (hg19) VCF-style: chr1-15769925-C-A.
Other names: short protein forms A123D.
Identifiers: ClinVar variation 4826378 (VCV004826378.1).

ClinVar aggregate classification (germline): Uncertain significance (1 of 4 stars; one submission).

Conditions:
Hereditary pancreatitis (PCTT). Also called: Hereditary chronic pancreatitis; PRSS1-Related Hereditary Pancreatitis. Identifiers: Orphanet 676, MedGen C0238339, MONDO:0008185, OMIM 167800.

Submission:

Ambry Genetics
Classification: Uncertain significance for Hereditary pancreatitis. Last evaluated: 2026-02-28. Review status: criteria provided, single submitter. Criteria: Ambry Variant Classification Scheme 2023. Collection method: clinical testing. Allele origin: germline.
Comment: The p.A123D variant (also known as c.368C>A), located in coding exon 5 of the CTRC gene, results from a C to A substitution at nucleotide position 368. The alanine at codon 123 is replaced by aspartic acid, an amino acid with dissimilar properties. This amino acid position is conserved. In addition, this alteration is predicted to be deleterious by in silico analysis. Based on the available evidence, the clinical significance of this variant remains unclear.